The following is an entry in ClinVar:

ClinVar aggregate classification (germline): Uncertain significance (1 of 4 stars; one submission).

Conditions:
Early Myoclonic Encephalopathy. Identifiers: MedGen C0270855.

Allele frequency attached by ClinVar (database versions not stated): gnomAD exomes 0.00001; TOPMed below 0.00001.
gnomAD v4.1: 11 of 1,613,168 alleles (0.00068%); highest among the groups gnomAD compares: Non-Finnish European, 0.00068%; no homozygotes.

Submission:

Labcorp Genetics (formerly Invitae), Labcorp
Classification: Uncertain significance for Early Myoclonic Encephalopathy. Last evaluated: 2017-09-30. Review status: criteria provided, single submitter. Criteria: Invitae Variant Classification Sherloc (09022015). Collection method: clinical testing. Allele origin: germline.
Comment: Algorithms developed to predict the effect of sequence changes on RNA splicing suggest that this variant may create or strengthen a splice site, but this prediction has not been confirmed by published transcriptional studies. In summary, the available evidence is currently insufficient to determine the role of this variant in disease. Therefore, it has been classified as a Variant of Uncertain Significance. Algorithms developed to predict the effect of missense changes on protein structure and function do not agree on the potential impact of this missense change (SIFT: "Deleterious"; PolyPhen-2: "Probably Damaging"; Align-GVGD: "Class C0"). This variant has not been reported in the literature in individuals with JMJD1C-related disease. This variant is not present in population databases (ExAC no frequency). This sequence change replaces cysteine with glycine at codon 2163 of the JMJD1C protein (p.Cys2163Gly). The cysteine residue is highly conserved and there is a large physicochemical difference between cysteine and glycine.

NM_032776.3(JMJD1C):c.6487T>G (p.Cys2163Gly)

Gene: JMJD1C (jumonji domain containing 1C; minus strand). Cytogenetic location: 10q21.3.
Variant type: single nucleotide variant.
Coding change: c.6487T>G on transcript NM_032776.3 (MANE Select); coding-DNA position 6487, T replaced by G.
Protein change: p.Cys2163Gly; replaces cysteine 2163 with glycine.
Molecular consequence: missense variant. On other transcripts: non-coding transcript variant (1).
Genome position (GRCh38, 1-based): chr10:63,189,251, A>C on the plus strand (T>G on the coding strand, the complement: JMJD1C is on the minus strand). VCF-style: chr10-63189251-A-C. GRCh37 (hg19) VCF-style: chr10-64949011-A-C.
Other names: c.5941T>G, p.Cys1981Gly (NM_001282948.2, NM_001318154.2); c.5623T>G, p.Cys1875Gly (NM_001318153.2); c.6373T>G, p.Cys2125Gly (NM_001322252.2); c.5830T>G, p.Cys1944Gly (NM_001322254.2, NM_001322258.2); short protein forms C2163G, C2125G, C1981G, C1875G, C1944G.
Identifiers: ClinVar variation 529709 (VCV000529709.8), dbSNP rs1554829980, ClinGen allele CA377023832.